The following is an entry in ClinVar:

ClinVar aggregate classification (germline): Likely pathogenic (1 of 4 stars; one submission).

Conditions:
Primary ciliary dyskinesia 3. Identifiers: Orphanet 244, MedGen C1837618, MONDO:0012085, OMIM 608644.

Submission:

Myriad Genetics, Inc.
Classification: Likely pathogenic for Primary ciliary dyskinesia 3. Last evaluated: 2022-05-18. Review status: criteria provided, single submitter. Criteria: Myriad Women's Health Autosomal Recessive and X-Linked Classification Criteria (2021). Collection method: clinical testing. Allele origin: unknown.
Comment: NM_001369.2(DNAH5):c.12377dupT(R4127Pfs*10) is expected to be pathogenic in the context of DNAH5-related primary ciliary dyskinesia. This variant is predicted to lead to an abnormal or absent protein product due to the creation of a premature termination codon in DNAH5, a gene where loss-of-function variants are known to be pathogenic. Please note: this variant was assessed in the context of healthy population screening.

NM_001369.3(DNAH5):c.12377dup (p.Arg4127fs)

Gene: DNAH5 (dynein axonemal heavy chain 5; minus strand). Cytogenetic location: 5p15.2.
Variant type: Duplication.
Coding change: c.12377dup on transcript NM_001369.3 (MANE Select); coding-DNA position 12377, one base duplicated (T; older notation c.12377dupT).
Protein change: p.Arg4127fs; shifts the reading frame from arginine 4127.
Molecular consequence: frameshift variant.
Genome position (GRCh38, 1-based): chr5:13,719,004, A duplicated on the plus strand (T on the coding strand, the reverse complement: DNAH5 is on the minus strand); the first of 2 consecutive A bases (chr5:13,719,004-13,719,005); duplicating either gives the same sequence. VCF-style (leftmost placement, unchanged base first): chr5-13719003-G-GA. GRCh37 (hg19) VCF-style: chr5-13719112-G-GA.
Other names: short protein forms R4127fs.
Identifiers: ClinVar variation 1726071 (VCV001726071.2), dbSNP rs2546518447, ClinGen allele CA2580072006.